The following is an entry in ClinVar:

NM_001042492.3(NF1):c.7754C>T (p.Ser2585Phe)

Gene: NF1 (neurofibromin 1; plus strand). Cytogenetic location: 17q11.2.
Variant type: single nucleotide variant.
Coding change: c.7754C>T on transcript NM_001042492.3 (MANE Select); coding-DNA position 7754, C replaced by T.
Protein change: p.Ser2585Phe; replaces serine 2585 with phenylalanine.
Molecular consequence: missense variant.
Genome position (GRCh38, 1-based): chr17:31,356,975, C>T. VCF-style: chr17-31356975-C-T. GRCh37 (hg19) VCF-style: chr17-29683993-C-T.
Other names: c.7691C>T, p.Ser2564Phe (NM_000267.4); short protein forms S2564F, S2585F.
Identifiers: ClinVar variation 1720946 (VCV001720946.5), dbSNP rs781717481, ClinGen allele CA399018359.

ClinVar aggregate classification (germline): Uncertain significance (1 of 4 stars; one submission).

Conditions:
Neurofibromatosis, type 1 (NF1). Also called: Neurofibromatosis, type I; VON RECKLINGHAUSEN DISEASE; NEUROFIBROMATOSIS, TYPE I, SOMATIC; Peripheral type neurofibromatosis. Identifiers: Orphanet 636, MedGen C0027831, MONDO:0018975, OMIM 162200. Disease mechanism: loss of function.

Submission:

Labcorp Genetics (formerly Invitae), Labcorp
Classification: Uncertain significance for Neurofibromatosis, type 1. Last evaluated: 2024-11-26. Review status: criteria provided, single submitter. Criteria: Invitae Variant Classification Sherloc (09022015). Collection method: clinical testing. Allele origin: germline.
Comment: This sequence change replaces serine, which is neutral and polar, with phenylalanine, which is neutral and non-polar, at codon 2564 of the NF1 protein (p.Ser2564Phe). This variant is not present in population databases (gnomAD no frequency). This variant has not been reported in the literature in individuals affected with NF1-related conditions. ClinVar contains an entry for this variant (Variation ID: 1720946). Invitae Evidence Modeling of protein sequence and biophysical properties (such as structural, functional, and spatial information, amino acid conservation, physicochemical variation, residue mobility, and thermodynamic stability) indicates that this missense variant is not expected to disrupt NF1 protein function with a negative predictive value of 95%. In summary, the available evidence is currently insufficient to determine the role of this variant in disease. Therefore, it has been classified as a Variant of Uncertain Significance.